The following is an entry in ClinVar:

NM_013275.6(ANKRD11):c.1650T>G (p.Asn550Lys)

Gene: ANKRD11 (ankyrin repeat domain 11; minus strand). Cytogenetic location: 16q24.3.
Variant type: single nucleotide variant.
Coding change: c.1650T>G on transcript NM_013275.6 (MANE Select); coding-DNA position 1650, T replaced by G.
Protein change: p.Asn550Lys; replaces asparagine 550 with lysine.
Molecular consequence: missense variant.
Genome position (GRCh38, 1-based): chr16:89,284,892, A>C on the plus strand (T>G on the coding strand, the complement: ANKRD11 is on the minus strand). VCF-style: chr16-89284892-A-C. GRCh37 (hg19) VCF-style: chr16-89351300-A-C.
Other names: c.1650T>G, p.Asn550Lys (NM_001256182.2, NM_001256183.2); short protein forms N550K.
Identifiers: ClinVar variation 4730841 (VCV004730841.1).

ClinVar aggregate classification (germline): Uncertain significance (1 of 4 stars; one submission).

Conditions:
KBG syndrome (KBGS). Also called: ANKRD11-Related KBG Syndrome. Identifiers: Orphanet 2332, MedGen C0220687, MONDO:0007846, OMIM 148050.

gnomAD v4.1: 8 of 1,614,056 alleles (0.0005%); highest among the groups gnomAD compares: Non-Finnish European, 0.00068%; no homozygotes.

Submission:

Labcorp Genetics (formerly Invitae), Labcorp
Classification: Uncertain significance for KBG syndrome. Last evaluated: 2025-11-06. Review status: criteria provided, single submitter. Criteria: Invitae Variant Classification Sherloc (09022015). Collection method: clinical testing. Allele origin: germline.
Comment: This sequence change replaces asparagine, which is neutral and polar, with lysine, which is basic and polar, at codon 550 of the ANKRD11 protein (p.Asn550Lys). This variant is present in population databases (no rsID available, gnomAD 0.0009%). This variant has not been reported in the literature in individuals affected with ANKRD11-related conditions. Invitae Evidence Modeling of protein sequence and biophysical properties (such as structural, functional, and spatial information, amino acid conservation, physicochemical variation, residue mobility, and thermodynamic stability) indicates that this missense variant is not expected to disrupt ANKRD11 protein function with a negative predictive value of 95%. In summary, the available evidence is currently insufficient to determine the role of this variant in disease. Therefore, it has been classified as a Variant of Uncertain Significance.